The following is an entry in ClinVar:

ClinVar aggregate classification (germline): Likely benign. Review status: criteria provided, multiple submitters, no conflicts (2 of 4 stars). 2 submissions from 2 submitters: Likely benign (2). Last evaluated 2025-12-17.

Conditions:
RP1L1-related disorder. Also called: RP1L1-related condition.

gnomAD v4.1: 63 of 1,614,232 alleles (0.0039%); highest among the groups gnomAD compares: Middle Eastern, 0.016%; no homozygotes.

Submissions (2):

PreventionGenetics, part of Exact Sciences
Classification: Likely benign for RP1L1-related condition. Last evaluated: 2025-12-17. Review status: criteria provided, single submitter. Criteria: ACMG Guidelines, 2015. Collection method: clinical testing. Allele origin: germline.
Comment: This variant is classified as likely benign based on ACMG/AMP sequence variant interpretation guidelines (Richards et al. 2015 PMID: 25741868, with internal and published modifications).

Blueprint Genetics
Classification: Likely benign. Last evaluated: 2022-10-26. Review status: criteria provided, single submitter. Criteria: ACMG Guidelines, 2015. Collection method: clinical testing. Allele origin: germline.

NM_178857.6(RP1L1):c.7173C>T (p.Asp2391=)

Gene: RP1L1 (RP1 like 1). Cytogenetic location: 8p23.1.
Variant type: single nucleotide variant.
Coding change: c.7173C>T on transcript NM_178857.6 (MANE Select); coding-DNA position 7173, C replaced by T.
Protein change: p.Asp2391=; no amino-acid change (aspartic acid 2391 retained).
Molecular consequence: synonymous variant.
Genome position (GRCh38, 1-based): chr8:10,606,925, G>A on the plus strand (C>T on the coding strand, the complement: RP1L1 is on the minus strand). VCF-style: chr8-10606925-G-A. GRCh37 (hg19) VCF-style: chr8-10464435-G-A.
Other names: c.7173C>T (NM_178857.5).
Identifiers: ClinVar variation 4898850 (VCV004898850.2).